The following is an entry in ClinVar:

NM_173354.5(SIK1):c.1801G>A (p.Gly601Arg)

Gene: SIK1 (salt inducible kinase 1; minus strand). Cytogenetic location: 21q22.3.
Variant type: single nucleotide variant.
Coding change: c.1801G>A on transcript NM_173354.5 (MANE Select); coding-DNA position 1801, G replaced by A.
Protein change: p.Gly601Arg; replaces glycine 601 with arginine.
Molecular consequence: missense variant.
Genome position (GRCh38, 1-based): chr21:43,417,718, C>T on the plus strand (G>A on the coding strand, the complement: SIK1 is on the minus strand). VCF-style: chr21-43417718-C-T. GRCh37 (hg19) VCF-style: chr21-44837598-C-T.
Other names: short protein forms G601R.
Identifiers: ClinVar variation 2831332 (VCV002831332.3), dbSNP rs2516964711, ClinGen allele CA410607269.

ClinVar aggregate classification (germline): Uncertain significance (1 of 4 stars; one submission).

Conditions:
Developmental and epileptic encephalopathy, 30 (DEE30). Also called: Epileptic encephalopathy, early infantile, 30. Identifiers: MedGen C4225360, MONDO:0014595, OMIM 616341.

Allele frequency attached by ClinVar (database versions not stated): gnomAD exomes below 0.00001.
gnomAD v4.1: 1 of 377,496 alleles (0.00026%); highest among the groups gnomAD compares: Non-Finnish European, 0.00036%; no homozygotes.

Submission:

Labcorp Genetics (formerly Invitae), Labcorp
Classification: Uncertain significance for Developmental and epileptic encephalopathy, 30. Last evaluated: 2023-01-23. Review status: criteria provided, single submitter. Criteria: Invitae Variant Classification Sherloc (09022015). Collection method: clinical testing. Allele origin: germline.
Comment: In summary, the available evidence is currently insufficient to determine the role of this variant in disease. Therefore, it has been classified as a Variant of Uncertain Significance. Advanced modeling of protein sequence and biophysical properties (such as structural, functional, and spatial information, amino acid conservation, physicochemical variation, residue mobility, and thermodynamic stability) performed at Invitae indicates that this missense variant is not expected to disrupt SIK1 protein function. This variant has not been reported in the literature in individuals affected with SIK1-related conditions. This variant is not present in population databases (gnomAD no frequency). This sequence change replaces glycine, which is neutral and non-polar, with arginine, which is basic and polar, at codon 601 of the SIK1 protein (p.Gly601Arg).